The following is an entry in ClinVar:

ClinVar aggregate classification (germline): Uncertain significance (1 of 4 stars; one submission).

Conditions:
Cardiovascular phenotype. Identifiers: MedGen CN230736.

Allele frequency attached by ClinVar (database versions not stated): ExAC 0.00001; gnomAD 0.00001; gnomAD exomes 0.00001; TOPMed 0.00001.
gnomAD v4.1: 23 of 1,614,052 alleles (0.0014%); highest among the groups gnomAD compares: Non-Finnish European, 0.0019%; no homozygotes.

Submission:

Ambry Genetics
Classification: Uncertain significance for Cardiovascular phenotype. Last evaluated: 2023-09-30. Review status: criteria provided, single submitter. Criteria: Ambry Variant Classification Scheme 2023. Collection method: clinical testing. Allele origin: germline.
Comment: The p.V135A variant (also known as c.404T>C), located in coding exon 3 of the SCN3B gene, results from a T to C substitution at nucleotide position 404. The valine at codon 135 is replaced by alanine, an amino acid with similar properties. This amino acid position is conserved. In addition, this alteration is predicted to be tolerated by in silico analysis. Since supporting evidence is limited at this time, the clinical significance of this alteration remains unclear.

NM_001040151.2(SCN3B):c.404T>C (p.Val135Ala)

Gene: SCN3B (sodium voltage-gated channel beta subunit 3; minus strand). Cytogenetic location: 11q24.1.
Variant type: single nucleotide variant.
Coding change: c.404T>C on transcript NM_001040151.2 (MANE Select); coding-DNA position 404, T replaced by C.
Protein change: p.Val135Ala; replaces valine 135 with alanine.
Molecular consequence: missense variant.
Genome position (GRCh38, 1-based): chr11:123,642,487, A>G on the plus strand (T>C on the coding strand, the complement: SCN3B is on the minus strand). VCF-style: chr11-123642487-A-G. GRCh37 (hg19) VCF-style: chr11-123513195-A-G.
Other names: c.404T>C, p.Val135Ala (NM_018400.4); short protein forms V135A.
Identifiers: ClinVar variation 3227132 (VCV003227132.1), dbSNP rs754912359, ClinGen allele CA6334024.